The following is an entry in ClinVar:

NM_001122630.2(CDKN1C):c.535C>A (p.Pro179Thr)

Gene: CDKN1C (cyclin dependent kinase inhibitor 1C; minus strand). Cytogenetic location: 11p15.4.
Variant type: single nucleotide variant.
Coding change: c.535C>A on transcript NM_001122630.2 (MANE Select); coding-DNA position 535, C replaced by A.
Protein change: p.Pro179Thr; replaces proline 179 with threonine.
Molecular consequence: missense variant. On other transcripts: intron variant (1).
Genome position (GRCh38, 1-based): chr11:2,884,922, G>T on the plus strand (C>A on the coding strand, the complement: CDKN1C is on the minus strand). VCF-style: chr11-2884922-G-T. GRCh37 (hg19) VCF-style: chr11-2906152-G-T.
Other names: c.568C>A, p.Pro190Thr (NM_000076.2, NM_001362474.2); c.535C>A, p.Pro179Thr (NM_001122631.2); c.255+280C>A (NM_001362475.2); short protein forms P179T, P190T.
Identifiers: ClinVar variation 1943936 (VCV001943936.5), dbSNP rs2494386619, ClinGen allele CA379146449.

ClinVar aggregate classification (germline): Uncertain significance (1 of 4 stars; one submission).

Conditions:
Beckwith-Wiedemann syndrome (BWS). Also called: Exomphalos macroglossia gigantism syndrome; EMG SYNDROME. Identifiers: Orphanet 116, MedGen C0004903, MONDO:0007534, OMIM 130650.

Submission:

Labcorp Genetics (formerly Invitae), Labcorp
Classification: Uncertain significance for Beckwith-Wiedemann syndrome. Last evaluated: 2023-02-14. Review status: criteria provided, single submitter. Criteria: Invitae Variant Classification Sherloc (09022015). Collection method: clinical testing. Allele origin: germline.
Comment: In summary, the available evidence is currently insufficient to determine the role of this variant in disease. Therefore, it has been classified as a Variant of Uncertain Significance. Advanced modeling of protein sequence and biophysical properties (such as structural, functional, and spatial information, amino acid conservation, physicochemical variation, residue mobility, and thermodynamic stability) performed at Invitae indicates that this missense variant is not expected to disrupt CDKN1C protein function. This variant has not been reported in the literature in individuals affected with CDKN1C-related conditions. The frequency data for this variant in the population databases is considered unreliable, as metrics indicate insufficient coverage at this position in the gnomAD database. This sequence change replaces proline, which is neutral and non-polar, with threonine, which is neutral and polar, at codon 190 of the CDKN1C protein (p.Pro190Thr).